The following is an entry in ClinVar:

ClinVar aggregate classification (germline): Benign/Likely benign. Review status: criteria provided, multiple submitters, no conflicts (2 of 4 stars). 7 submissions from 5 submitters: Benign (6); Likely benign (1). Last evaluated 2026-02-04.

Conditions:
Factor V deficiency. Also called: Reduced coagulation factor V activity. Identifiers: Orphanet 326, MedGen C4317320, MONDO:0020586, HP:0003225.
Thrombophilia due to thrombin defect (THPH1). Also called: Thrombosis susceptibility; THROMBOPHILIA DUE TO FACTOR 2 DEFECT; Prothrombin-Related Thrombophilia (Factor II); Prothrombin Thrombophilia. Identifiers: MedGen C3160733, MONDO:0008559, OMIM 188050. Disease mechanism: gain of function, loss of function.
Congenital factor V deficiency. Also called: Hereditary factor V deficiency disease; LABILE FACTOR DEFICIENCY; PARAHEMOPHILIA; OWREN PARAHEMOPHILIA. Identifiers: Orphanet 326, MedGen C0015499, MONDO:0009210, OMIM 227400.
Budd-Chiari syndrome (BDCHS). Also called: Hepatic vein obstruction. Identifiers: Orphanet 131, MedGen C0856761, MONDO:0010947, OMIM 600880, HP:0002639.

Allele frequency attached by ClinVar (database versions not stated): ESP Exome Variant Server 0.03521; TOPMed 0.03693; 1000 Genomes Project 0.03954; 1000 Genomes Project 30x 0.04232.
gnomAD v4.1: 10,404 of 1,613,510 alleles (0.64%); highest among the groups gnomAD compares: African/African-American, 11%; 499 homozygotes.

Submissions (7):

Labcorp Genetics (formerly Invitae), Labcorp
Classification: Benign for Congenital factor V deficiency. Last evaluated: 2026-02-04. Review status: criteria provided, single submitter. Criteria: Invitae Variant Classification Sherloc (09022015). Collection method: clinical testing. Allele origin: germline.

Mayo Clinic Laboratories, Mayo Clinic
Classification: Benign. Last evaluated: 2024-05-02. Review status: criteria provided, single submitter. Criteria: ACMG Guidelines, 2015. Collection method: clinical testing. Allele origin: germline. Observed: 3 variant alleles.

GeneDx
Classification: Benign. Last evaluated: 2021-05-04. Review status: criteria provided, single submitter. Criteria: GeneDx Variant Classification Process June 2021. Collection method: clinical testing. Allele origin: germline. Affected: yes.

Illumina Laboratory Services, Illumina
Classification: Benign for Budd-Chiari syndrome. Last evaluated: 2018-01-13. Review status: criteria provided, single submitter. Criteria: ICSL Variant Classification Criteria 13 December 2019. Collection method: clinical testing. Allele origin: germline.
Comment: This variant was observed in the ICSL laboratory as part of a predisposition screen in an ostensibly healthy population. It had not been previously curated by ICSL or reported in the Human Gene Mutation Database (HGMD: prior to June 1st, 2018), and was therefore a candidate for classification through an automated scoring system. Utilizing variant allele frequency, disease prevalence and penetrance estimates, and inheritance mode, an automated score was calculated to assess if this variant is too frequent to cause the disease. Based on the score and internal cut-off values, a variant classified as benign is not then subjected to further curation. The score for this variant resulted in a classification of benign for this disease.

Illumina Laboratory Services, Illumina
Classification: Benign for Congenital factor V deficiency. Last evaluated: 2018-01-13. Review status: criteria provided, single submitter. Criteria: ICSL Variant Classification Criteria 13 December 2019. Collection method: clinical testing. Allele origin: germline.
Comment: the same text as in the submission from Illumina Laboratory Services, Illumina above.

Illumina Laboratory Services, Illumina
Classification: Benign for Venous thrombosis. Last evaluated: 2018-01-13. Review status: criteria provided, single submitter. Criteria: ICSL Variant Classification Criteria 13 December 2019. Collection method: clinical testing. Allele origin: germline.
Comment: the same text as in the submission from Illumina Laboratory Services, Illumina above.

Breakthrough Genomics
Classification: Likely benign. Review status: criteria provided, single submitter. Criteria: ACMG Guidelines, 2015. Collection method: not provided. Allele origin: germline. Inheritance: Autosomal recessive inheritance. Affected: yes.

NM_000130.5(F5):c.564G>C (p.Gly188=)

Gene: F5 (coagulation factor V; minus strand). Cytogenetic location: 1q24.2.
Variant type: single nucleotide variant.
Coding change: c.564G>C on transcript NM_000130.5 (MANE Select); coding-DNA position 564, G replaced by C.
Protein change: p.Gly188=; no amino-acid change (glycine 188 retained).
Molecular consequence: synonymous variant.
Genome position (GRCh38, 1-based): chr1:169,560,576, C>G on the plus strand (G>C on the coding strand, the complement: F5 is on the minus strand). VCF-style: chr1-169560576-C-G. GRCh37 (hg19) VCF-style: chr1-169529814-C-G.
Other names: p.Gly188=.
Identifiers: ClinVar variation 293637 (VCV000293637.13), dbSNP rs1557573, ClinGen allele CA1234582.